The following is an entry in ClinVar:

ClinVar aggregate classification (germline): Uncertain significance. Review status: criteria provided, multiple submitters, no conflicts (2 of 4 stars). 2 submissions from 2 submitters: Uncertain significance (2). Last evaluated 2025-01-03.

Conditions:
Glycogen storage disease IV, classic hepatic. Also called: GSD IV, CLASSIC HEPATIC. Identifiers: MedGen C1856301.
Glycogen storage disease, type IV (GSD4). Also called: Glycogen storage disease due to glycogen branching enzyme deficiency; AMYLOPECTINOSIS; ANDERSEN DISEASE; BRANCHER DEFICIENCY; CIRRHOSIS, FAMILIAL, WITH DEPOSITION OF ABNORMAL GLYCOGEN; GBE1 DEFICIENCY. Identifiers: Orphanet 367, MedGen C0017923, MONDO:0009292, OMIM 232500.
Inborn genetic diseases. Identifiers: MedGen C0950123, MeSH D030342.

Allele frequency attached by ClinVar (database versions not stated): gnomAD exomes 0.00001; ExAC 0.00006; ESP Exome Variant Server 0.00008; gnomAD 0.00010; TOPMed 0.00014.
gnomAD v4.1: 31 of 1,609,928 alleles (0.0019%); highest among the groups gnomAD compares: African/African-American, 0.038%; no homozygotes.

Submissions (2):

Ambry Genetics
Classification: Uncertain significance for Inborn genetic diseases. Last evaluated: 2025-01-03. Review status: criteria provided, single submitter. Criteria: Ambry Variant Classification Scheme 2023. Collection method: clinical testing. Allele origin: germline.

Labcorp Genetics (formerly Invitae), Labcorp
Classification: Uncertain significance for Glycogen storage disease, type IV; Glycogen storage disease IV, classic hepatic. Last evaluated: 2022-04-05. Review status: criteria provided, single submitter. Criteria: Invitae Variant Classification Sherloc (09022015). Collection method: clinical testing. Allele origin: germline.
Comment: This sequence change replaces glycine, which is neutral and non-polar, with serine, which is neutral and polar, at codon 429 of the GBE1 protein (p.Gly429Ser). This variant is present in population databases (rs372232273, gnomAD 0.04%). This variant has not been reported in the literature in individuals affected with GBE1-related conditions. Advanced modeling of protein sequence and biophysical properties (such as structural, functional, and spatial information, amino acid conservation, physicochemical variation, residue mobility, and thermodynamic stability) performed at Invitae indicates that this missense variant is not expected to disrupt GBE1 protein function. In summary, the available evidence is currently insufficient to determine the role of this variant in disease. Therefore, it has been classified as a Variant of Uncertain Significance.

NM_000158.4(GBE1):c.1285G>A (p.Gly429Ser)

Gene: GBE1 (1,4-alpha-glucan branching enzyme 1; minus strand). Cytogenetic location: 3p12.2.
Variant type: single nucleotide variant.
Coding change: c.1285G>A on transcript NM_000158.4 (MANE Select); coding-DNA position 1285, G replaced by A.
Protein change: p.Gly429Ser; replaces glycine 429 with serine.
Molecular consequence: missense variant.
Genome position (GRCh38, 1-based): chr3:81,586,142, C>T on the plus strand (G>A on the coding strand, the complement: GBE1 is on the minus strand). VCF-style: chr3-81586142-C-T. GRCh37 (hg19) VCF-style: chr3-81635293-C-T.
Other names: c.1285G>A (NM_000158.3); short protein forms G429S.
Identifiers: ClinVar variation 2139159 (VCV002139159.2), dbSNP rs372232273, ClinGen allele CA2499715.